The following is an entry in ClinVar:

ClinVar aggregate classification (germline): Pathogenic. Review status: criteria provided, multiple submitters, no conflicts (2 of 4 stars). 8 submissions from 7 submitters: Pathogenic (8). Last evaluated 2025-09-10.

Conditions:
Leber congenital amaurosis 5 (LCA5). Also called: Amaurosis congenita of Leber, type 5. Identifiers: Orphanet 65, MedGen C1858301, MONDO:0011473, OMIM 604537.
Polycystic liver disease 2 (PCLD2). Also called: Polycystic liver disease 2 with or without kidney cysts. Identifiers: Orphanet 2924, MedGen C4310769, MONDO:0014860, OMIM 617004.
LCA5-related disorder. Also called: LCA5-related condition.
Retinitis pigmentosa (RP). Identifiers: Orphanet 791, MedGen C0035334, MeSH D012174, MONDO:0019200, OMIM 268000. Inheritance: Autosomal dominant, autosomal recessive and X linked inheritance.

Allele frequency attached by ClinVar (database versions not stated): gnomAD exomes 0.00001; TOPMed 0.00001; ExAC 0.00002; ESP Exome Variant Server 0.00008.
gnomAD v4.1: 10 of 1,613,164 alleles (0.00062%); highest among the groups gnomAD compares: Admixed American, 0.0033%; no homozygotes.

Submissions (8):

Genomic Medicine Center of Excellence, King Faisal Specialist Hospital and Research Centre
Classification: Pathogenic for Leber congenital amaurosis 5. Last evaluated: 2025-09-10. Review status: criteria provided, single submitter. Criteria: ACMG Guidelines, 2015. Collection method: clinical testing. Allele origin: germline.

Natera, Inc.
Classification: Pathogenic for Leber congenital amaurosis type 5. Last evaluated: 2025-08-04. Review status: criteria provided, single submitter. Criteria: Natera Variant Classification Schema (03/2026). Collection method: clinical testing. Allele origin: germline.
Comment: The c.763C>T variant in LCA5 is a nonsense variant predicted to introduce a stop codon at amino acid 255. This variant is expected to result in nonsense mediated decay, truncation, or a dysfunctional protein product. This variant is rare in the general population with a frequency below the threshold expected for the associated phenotype(s). This variant has been observed in one or more individuals affected with the associated recessive disease, as either homozygous or compound heterozygous with a second variant (PMID: 24265693). Given the available evidence, this variant is classified as Pathogenic.

Labcorp Genetics (formerly Invitae), Labcorp
Classification: Pathogenic. Last evaluated: 2025-06-06. Review status: criteria provided, single submitter. Criteria: Invitae Variant Classification Sherloc (09022015). Collection method: clinical testing. Allele origin: germline.
Comment: This sequence change creates a premature translational stop signal (p.Arg255*) in the LCA5 gene. It is expected to result in an absent or disrupted protein product. Loss-of-function variants in LCA5 are known to be pathogenic (PMID: 17546029, 23946133). This variant is present in population databases (rs151017794, gnomAD 0.004%). This premature translational stop signal has been observed in individual(s) with a LCA5-related condition (PMID: 24265693). ClinVar contains an entry for this variant (Variation ID: 960517). For these reasons, this variant has been classified as Pathogenic.

PreventionGenetics, part of Exact Sciences
Classification: Pathogenic for LCA5-related condition. Last evaluated: 2025-02-11. Review status: criteria provided, single submitter. Criteria: ACMG Guidelines, 2015. Collection method: clinical testing. Allele origin: germline.
Comment: The LCA5 c.763C>T variant is predicted to result in premature protein termination (p.Arg255*). This variant has been reported in a homozygous individual presenting with Leber congenital amaurosis (Table 1, Eisenberger et al., 2013. PubMed ID: 24265693). This variant is reported in 0.0040% of alleles in individuals of African descent in gnomAD. Nonsense variants in LCA5 are expected to be pathogenic. This variant is interpreted as pathogenic.

Genomic Medicine Center of Excellence, King Faisal Specialist Hospital and Research Centre
Classification: Pathogenic for Polycystic liver disease 2. Last evaluated: 2024-12-17. Review status: criteria provided, single submitter. Criteria: ACMG Guidelines, 2015. Collection method: clinical testing. Allele origin: germline.

Blueprint Genetics
Classification: Pathogenic for LCA5-related disorders. Last evaluated: 2024-04-23. Review status: criteria provided, single submitter. Criteria: ACMG Guidelines, 2015. Collection method: clinical testing. Allele origin: germline. Affected: yes. Observed: 5 variant alleles.

Baylor Genetics
Classification: Pathogenic for Leber congenital amaurosis 5. Last evaluated: 2023-11-11. Review status: criteria provided, single submitter. Criteria: ACMG Guidelines, 2015. Collection method: clinical testing. Allele origin: unknown.

Broad Center for Mendelian Genomics, Broad Institute of MIT and Harvard
Classification: Pathogenic for Retinitis pigmentosa. Last evaluated: 2021-04-01. Review status: criteria provided, single submitter. Criteria: ACMG Guidelines, 2015. Collection method: curation. Allele origin: germline. Inheritance: Autosomal recessive inheritance. Affected: yes.
Comment: Through a review of available evidence we were able to apply the following criteria: PVS1, PM2, PM3-P. Based on this evidence we have classified this variant as Pathogenic. If you have any questions about the classification please reach out to the Pierce Lab.

Literature cited by the submitters: PubMed 24265693 (cited by Natera, Inc. and Labcorp Genetics (formerly Invitae), Labcorp); PubMed 17546029 (cited by Labcorp Genetics (formerly Invitae), Labcorp); PubMed 23946133 (cited by Labcorp Genetics (formerly Invitae), Labcorp); PubMed 34906470 (cited by Broad Center for Mendelian Genomics, Broad Institute of MIT and Harvard).

NM_001122769.3(LCA5):c.763C>T (p.Arg255Ter)

Gene: LCA5 (lebercilin LCA5; minus strand). Cytogenetic location: 6q14.1.
Variant type: single nucleotide variant.
Coding change: c.763C>T on transcript NM_001122769.3 (MANE Select); coding-DNA position 763, C replaced by T.
Protein change: p.Arg255Ter; replaces arginine 255 with a stop codon.
Molecular consequence: nonsense.
Genome position (GRCh38, 1-based): chr6:79,493,708, G>A on the plus strand (C>T on the coding strand, the complement: LCA5 is on the minus strand). VCF-style: chr6-79493708-G-A. GRCh37 (hg19) VCF-style: chr6-80203425-G-A.
Other names: c.763C>T, p.Arg255Ter (NM_181714.4); short protein forms R255*.
Identifiers: ClinVar variation 960517 (VCV000960517.17), dbSNP rs151017794, ClinGen allele CA3901029.